The following is an entry in ClinVar:

ClinVar aggregate classification (germline): Conflicting classifications of pathogenicity. Review status: criteria provided, conflicting classifications (1 of 4 stars). 3 submissions from 3 submitters: Likely pathogenic (2); Uncertain significance (1). Last evaluated 2024-04-25.

Conditions:
Inborn genetic diseases. Identifiers: MedGen C0950123, MeSH D030342.
Hereditary spastic paraplegia 5A (SPG5A). Also called: SPASTIC PARAPLEGIA 5A, AUTOSOMAL RECESSIVE. Identifiers: Orphanet 100986, MedGen C1849115, MONDO:0010047, OMIM 270800.
Congenital bile acid synthesis defect 3. Identifiers: Orphanet 79302, MedGen C3151147, MONDO:0013439, OMIM 613812.
Spastic paraplegia. Identifiers: MedGen C0037772, HP:0001258.

Allele frequency attached by ClinVar (database versions not stated): gnomAD exomes below 0.00001; TOPMed below 0.00001; gnomAD 0.00001.
gnomAD v4.1: 7 of 1,613,538 alleles (0.00043%); highest among the groups gnomAD compares: Non-Finnish European, 0.00059%; no homozygotes.

Submissions (3):

Labcorp Genetics (formerly Invitae), Labcorp
Classification: Likely pathogenic for Spastic paraplegia. Last evaluated: 2024-04-25. Review status: criteria provided, single submitter. Criteria: Invitae Variant Classification Sherloc (09022015). Collection method: clinical testing. Allele origin: germline.
Comment: This sequence change replaces valine, which is neutral and non-polar, with glycine, which is neutral and non-polar, at codon 263 of the CYP7B1 protein (p.Val263Gly). This variant is present in population databases (no rsID available, gnomAD 0.0009%). This variant has not been reported in the literature in individuals affected with CYP7B1-related conditions. ClinVar contains an entry for this variant (Variation ID: 1981100). Advanced modeling of protein sequence and biophysical properties (such as structural, functional, and spatial information, amino acid conservation, physicochemical variation, residue mobility, and thermodynamic stability) performed at Invitae indicates that this missense variant is expected to disrupt CYP7B1 protein function with a positive predictive value of 80%. In summary, the currently available evidence indicates that the variant is pathogenic, but additional data are needed to prove that conclusively. Therefore, this variant has been classified as Likely Pathogenic.

Ambry Genetics
Classification: Likely pathogenic for Inborn genetic diseases. Last evaluated: 2024-03-04. Review status: criteria provided, single submitter. Criteria: Ambry Variant Classification Scheme 2023. Collection method: clinical testing. Allele origin: germline.
Comment: The c.788T>G (p.V263G) alteration is located in exon 3 (coding exon 3) of the CYP7B1 gene. This alteration results from a T to G substitution at nucleotide position 788, causing the valine (V) at amino acid position 263 to be replaced by a glycine (G). Based on data from gnomAD, the G allele has an overall frequency of 0.001% (1/250916) total alleles studied. The highest observed frequency was 0.001% (1/113296) of European (non-Finnish) alleles. This variant has been identified in trans with another CYP7B1 variant in an individual with features consistent with CYP7B1-related spastic paraplegia (external communication). This amino acid position is not well conserved in available vertebrate species. The in silico prediction for this alteration is inconclusive. Based on the available evidence, this alteration is classified as likely pathogenic.

Fulgent Genetics
Classification: Uncertain significance for Hereditary spastic paraplegia 5A; Congenital bile acid synthesis defect 3. Last evaluated: 2024-01-23. Review status: criteria provided, single submitter. Criteria: ACMG Guidelines, 2015. Collection method: clinical testing. Allele origin: germline.

NM_004820.5(CYP7B1):c.788T>G (p.Val263Gly)

Gene: CYP7B1 (cytochrome P450 family 7 subfamily B member 1; minus strand). Cytogenetic location: 8q12.3.
Variant type: single nucleotide variant.
Coding change: c.788T>G on transcript NM_004820.5 (MANE Select); coding-DNA position 788, T replaced by G.
Protein change: p.Val263Gly; replaces valine 263 with glycine.
Molecular consequence: missense variant.
Genome position (GRCh38, 1-based): chr8:64,615,753, A>C on the plus strand (T>G on the coding strand, the complement: CYP7B1 is on the minus strand). VCF-style: chr8-64615753-A-C. GRCh37 (hg19) VCF-style: chr8-65528310-A-C.
Other names: c.788T>G (NM_004820.3); c.788T>G, p.Val263Gly (NM_001324112.2); short protein forms V263G.
Identifiers: ClinVar variation 1981100 (VCV001981100.8), dbSNP rs1265090791, ClinGen allele CA371334967.
Genomic context (GRCh38, chr8:64,615,753, plus strand): 5'-CCTATTTCAAGGTCCTCGTGCACATAATATTTCTCCAGGACATCTTGCCTGCTTTGAAAA[A>C]CTTCTGACCATCCTTGCATCTTGGCTAACTTTTCTGATGAGAAGCATTTTATAATTTTCT-3'
Protein context (NP_004811.1, residues 253-273): KLAKMQGWSE[Val263Gly]FQSRQDVLEK